The following is an entry in ClinVar:

NM_000545.8(HNF1A):c.790_791del (p.Val264fs)

Gene: HNF1A (HNF1 homeobox A; plus strand). Cytogenetic location: 12q24.31.
Variant type: Microsatellite.
Coding change: c.790_791del on transcript NM_000545.8 (MANE Select); coding-DNA positions 790 to 791, 2 bases deleted (GT; older notation c.790_791delGT).
Protein change: p.Val264fs; shifts the reading frame from valine 264.
Molecular consequence: frameshift variant.
Genome position (GRCh38, 1-based): chr12:120,994,240-120,994,241, GT deleted; deleting any 2 consecutive bases within chr12:120,994,238-120,994,241 gives the same sequence; the c. name uses the placement nearest the transcript's 3' end. VCF-style (leftmost placement, unchanged base first): chr12-120994237-CGT-C. GRCh37 (hg19) VCF-style: chr12-121432040-CGT-C.
Other names: NM_000545.6(HNF1A):c.788_789GT[1]; p.Val264fs; c.790_791del, p.Val264fs (NM_001306179.2); short protein forms V264fs.
Identifiers: ClinVar variation 447500 (VCV000447500.6), dbSNP rs1555211999, ClinGen allele CA658658178.

ClinVar aggregate classification (germline): Likely pathogenic. Review status: reviewed by expert panel (3 of 4 stars). 3 submissions from 3 submitters: Likely pathogenic (1). 2 of the submissions do not count toward it. Last evaluated 2025-11-26.

Conditions:
Monogenic diabetes. Identifiers: Orphanet 183625, MedGen C3888631, MONDO:0015967.
Maturity-onset diabetes of the young (MODY). Also called: Maturity onset diabetes mellitus in young. Identifiers: Orphanet 552, MedGen C0342276, MONDO:0018911, HP:0004904.

Submissions (3):

ClinGen Monogenic Diabetes Variant Curation Expert Panel
Classification: Likely pathogenic for Monogenic diabetes. Last evaluated: 2025-11-26. Review status: reviewed by expert panel. Criteria: ClinGen Diabetes ACMG Specifications HNF1A V3.1.0. Collection method: curation. Allele origin: germline. Inheritance: Autosomal dominant inheritance.
Comment: The c.790_791del variant in the HNF1 homeobox A gene, HNF1A, causes a frameshift in the protein at codon 264 of NM_000545.8 (p.(Val264LeufsTer52)). This variant, located in biologically-relevant exon 4 of 10, is predicted to lead to nonsense mediated decay in a gene in which loss-of-function is an established disease mechanism (PVS1; PMID: 23348805). This variant is absent from gnomAD v4.1.0 (PM2_Supporting). In summary, c.790_791del meets the criteria to be classified as likely pathogenic for monogenic diabetes. ACMG/AMP criteria applied, as specified by the ClinGen MDEP (specification version 3.1.0, approved 10/10/2025): PVS1, PM2_Supporting.

Athena Diagnostics
Classification: Pathogenic. Last evaluated: 2017-06-26. Review status: criteria provided, single submitter. Criteria: Athena Diagnostics Criteria. Collection method: clinical testing. Allele origin: germline. Not counted in ClinVar's aggregate classification.

Clinical Genomics, Uppaluri K&H Personalized Medicine Clinic
Classification: Uncertain risk allele for Maturity-onset diabetes of the young. Review status: criteria provided, single submitter. Criteria: K & H Uppaluri Personalized Medicine Clinic Variant Classification & Assertion Criteria_Updated V.1. Collection method: research. Allele origin: unknown. Inheritance: Autosomal dominant inheritance. Not counted in ClinVar's aggregate classification.
Comment: Mutations in HNF1A gene can predispose to MODY3. It is associated with both micro and macrovascular complications of diabetes, especially cardiovascular complications. Associated with glucosuria. May respond well to sulfonylureas. However, more evidence is required to confer the association of this particular variant rs1555211999 with MODY3.

Literature cited by the submitters: PubMed 23348805 (cited by ClinGen Monogenic Diabetes Variant Curation Expert Panel); PubMed 31517624 (cited by Clinical Genomics, Uppaluri K&H Personalized Medicine Clinic); PubMed 35328643 (cited by Clinical Genomics, Uppaluri K&H Personalized Medicine Clinic); PubMed 32395877 (cited by Clinical Genomics, Uppaluri K&H Personalized Medicine Clinic); PubMed 35673428 (cited by Clinical Genomics, Uppaluri K&H Personalized Medicine Clinic).